The following is an entry in ClinVar:

ClinVar aggregate classification (germline): Uncertain significance (1 of 4 stars; one submission).

Submission:

Labcorp Genetics (formerly Invitae), Labcorp
Classification: Uncertain significance. Last evaluated: 2025-02-05. Review status: criteria provided, single submitter. Criteria: Invitae Variant Classification Sherloc (09022015). Collection method: clinical testing. Allele origin: germline.
Comment: This sequence change falls in intron 14 of the CUL3 gene. It does not directly change the encoded amino acid sequence of the CUL3 protein. This variant is not present in population databases (gnomAD no frequency). This variant has not been reported in the literature in individuals affected with CUL3-related conditions. Experimental studies and prediction algorithms are not available or were not evaluated, and the effect of this variant on mRNA splicing is currently unknown. In summary, the available evidence is currently insufficient to determine the role of this variant in disease. Therefore, it has been classified as a Variant of Uncertain Significance.

NM_003590.5(CUL3):c.2029+14_2029+293del

Gene: CUL3 (cullin 3; minus strand). Cytogenetic location: 2q36.2.
Variant type: Deletion.
Coding change: c.2029+14_2029+293del on transcript NM_003590.5 (MANE Select); bases 14 to 293 of the intron after coding-DNA position 2029, 280 bases deleted.
Molecular consequence: intron variant.
Genome position (GRCh38, 1-based): chr2:224,481,599-224,481,878, 280 bases deleted. GRCh37 (hg19): chr2:225,346,317-225,346,596.
Other names: c.1831+14_1831+293del (NM_001257197.2); c.2047+14_2047+293del (NM_001257198.2).
Identifiers: ClinVar variation 4712419 (VCV004712419.1).